The following is an entry in ClinVar:

ClinVar aggregate classification (germline): Uncertain significance. Review status: criteria provided, multiple submitters, no conflicts (2 of 4 stars). 2 submissions from 2 submitters: Uncertain significance (2). Last evaluated 2025-11-20.

Submissions (2):

Labcorp Genetics (formerly Invitae), Labcorp
Classification: Uncertain significance. Last evaluated: 2025-11-20. Review status: criteria provided, single submitter. Criteria: Invitae Variant Classification Sherloc (09022015). Collection method: clinical testing. Allele origin: germline.
Comment: This sequence change replaces alanine, which is neutral and non-polar, with serine, which is neutral and polar, at codon 17 of the SUCLG2 protein (p.Ala17Ser). This variant is present in population databases (no rsID available, gnomAD 0.007%). This variant has not been reported in the literature in individuals affected with SUCLG2-related conditions. ClinVar contains an entry for this variant (Variation ID: 3451097). An algorithm developed to predict the effect of missense changes on protein structure and function (PolyPhen-2) suggests that this variant is likely to be tolerated. In summary, the available evidence is currently insufficient to determine the role of this variant in disease. Therefore, it has been classified as a Variant of Uncertain Significance.

Ambry Genetics
Classification: Uncertain significance. Last evaluated: 2024-11-15. Review status: criteria provided, single submitter. Criteria: Ambry Variant Classification Scheme 2023. Collection method: clinical testing. Allele origin: germline.

NM_003848.4(SUCLG2):c.49G>T (p.Ala17Ser)

Gene: SUCLG2 (succinate-CoA ligase GDP-forming subunit beta; minus strand). Cytogenetic location: 3p14.1.
Variant type: single nucleotide variant.
Coding change: c.49G>T on transcript NM_003848.4 (MANE Select); coding-DNA position 49, G replaced by T.
Protein change: p.Ala17Ser; replaces alanine 17 with serine.
Molecular consequence: missense variant.
Genome position (GRCh38, 1-based): chr3:67,654,538, C>A on the plus strand (G>T on the coding strand, the complement: SUCLG2 is on the minus strand). VCF-style: chr3-67654538-C-A. GRCh37 (hg19) VCF-style: chr3-67704962-C-A.
Other names: c.49G>T, p.Ala17Ser (NM_001177599.2); short protein forms A17S.
Identifiers: ClinVar variation 3451097 (VCV003451097.2).